The following is an entry in ClinVar:

ClinVar aggregate classification (germline): Uncertain significance. Review status: criteria provided, multiple submitters, no conflicts (2 of 4 stars). 2 submissions from 2 submitters: Uncertain significance (2). Last evaluated 2025-02-18.

Conditions:
Early-onset Lafora body disease. Also called: Epilepsy, progressive myoclonic, 10. Identifiers: Orphanet 324290, MedGen C4225258, MONDO:0014717, OMIM 616640.

Allele frequency attached by ClinVar (database versions not stated): TOPMed below 0.00001; ExAC 0.00003.
gnomAD v4.1: 25 of 1,614,178 alleles (0.0015%); highest among the groups gnomAD compares: South Asian, 0.023%; no homozygotes.

Submissions (2):

Ambry Genetics
Classification: Uncertain significance. Last evaluated: 2025-02-18. Review status: criteria provided, single submitter. Criteria: Ambry Variant Classification Scheme 2023. Collection method: clinical testing. Allele origin: germline.

Labcorp Genetics (formerly Invitae), Labcorp
Classification: Uncertain significance for Early-onset Lafora body disease. Last evaluated: 2023-06-19. Review status: criteria provided, single submitter. Criteria: Invitae Variant Classification Sherloc (09022015). Collection method: clinical testing. Allele origin: germline.
Comment: This sequence change replaces aspartic acid, which is acidic and polar, with histidine, which is basic and polar, at codon 186 of the PRDM8 protein (p.Asp186His). This variant is present in population databases (rs748579277, gnomAD 0.03%). This variant has not been reported in the literature in individuals affected with PRDM8-related conditions. Advanced modeling of protein sequence and biophysical properties (such as structural, functional, and spatial information, amino acid conservation, physicochemical variation, residue mobility, and thermodynamic stability) performed at Invitae indicates that this missense variant is not expected to disrupt PRDM8 protein function. In summary, the available evidence is currently insufficient to determine the role of this variant in disease. Therefore, it has been classified as a Variant of Uncertain Significance.

NM_001099403.2(PRDM8):c.556G>C (p.Asp186His)

Genes: PRDM8 (PR/SET domain 8; plus strand), LOC126807094 (CDK7 strongly-dependent group 2 enhancer GRCh37_chr4:81121978-81123177; plus strand). Cytogenetic location: 4q21.21.
Variant type: single nucleotide variant.
Coding change: c.556G>C on transcript NM_001099403.2 (MANE Select); coding-DNA position 556, G replaced by C.
Protein change: p.Asp186His; replaces aspartic acid 186 with histidine.
Molecular consequence: missense variant.
Genome position (GRCh38, 1-based): chr4:80,202,018, G>C. VCF-style: chr4-80202018-G-C. GRCh37 (hg19) VCF-style: chr4-81123172-G-C.
Other names: c.556G>C, p.Asp186His (NM_020226.4); c.556G>C (NM_020226.3); short protein forms D186H.
Identifiers: ClinVar variation 2886100 (VCV002886100.4), dbSNP rs748579277, ClinGen allele CA2982275.
Genomic context (GRCh38, chr4:80,202,018, plus strand): 5'-TTTGAGTTCCCCTATGTGGCGCATCTGCGTTTCCGCTGCCCCAAGAGACTTCACAGCGCT[G>C]ATATAAGTCCCCAAGACGAACAAGGCGGCGGCGTGGGCACCAAGGACCACGGGGGCGGCG-3'
Protein context (NP_001092873.1, residues 176-196): FRCPKRLHSA[Asp186His]ISPQDEQGGG